The following is an entry in ClinVar:

NM_021072.4(HCN1):c.203GCG[13] (p.Gly74_Glu75insGlyGlyGlyGlyGlyGly)

Gene: HCN1 (hyperpolarization activated cyclic nucleotide gated potassium channel 1; minus strand). Cytogenetic location: 5p12.
Variant type: Microsatellite.
Coding change: c.203GCG[13] on transcript NM_021072.4 (MANE Select); 13 copies in a row of the 3-base unit GCG starting at c.203; the reference has seven copies in a row; six copies, 18 bases duplicated.
Protein change: p.Gly74_Glu75insGlyGlyGlyGlyGlyGly.
Molecular consequence: inframe insertion.
Genome position (GRCh38, 1-based): chr5:45,695,871-45,695,888, CGCCGCCGCCGCCGCCGC duplicated on the plus strand (GCGGCGGCGGCGGCGGCG on the coding strand, the reverse complement: HCN1 is on the minus strand); duplicating any 18 consecutive bases within chr5:45,695,871-45,695,892 gives the same sequence; the position shown is the placement nearest the transcript's 3' end. VCF-style (leftmost placement, unchanged base first): chr5-45695870-T-TCGCCGCCGCCGCCGCCGC. GRCh37 (hg19) VCF-style: chr5-45695972-T-TCGCCGCCGCCGCCGCCGC.
Identifiers: ClinVar variation 2821636 (VCV002821636.3), dbSNP rs747975797, ClinGen allele CA2673782801.

ClinVar aggregate classification (germline): Uncertain significance (1 of 4 stars; one submission).

Conditions:
Early-infantile DEE. Also called: Early infantile epileptic encephalopathy; Early infantile epileptic encephalopathy with suppression bursts; Ohtahara syndrome. Identifiers: Orphanet 1934, MedGen C0393706, MONDO:0800491.

Submission:

Labcorp Genetics (formerly Invitae), Labcorp
Classification: Uncertain significance for Early-infantile DEE. Last evaluated: 2022-12-16. Review status: criteria provided, single submitter. Criteria: Invitae Variant Classification Sherloc (09022015). Collection method: clinical testing. Allele origin: germline.
Comment: In summary, the available evidence is currently insufficient to determine the role of this variant in disease. Therefore, it has been classified as a Variant of Uncertain Significance. This variant has not been reported in the literature in individuals affected with HCN1-related conditions. This variant is not present in population databases (gnomAD no frequency). This variant, c.206_223dup, results in the insertion of 6 amino acid(s) of the HCN1 protein (p.Gly69_Gly74dup), but otherwise preserves the integrity of the reading frame.